The following is an entry in ClinVar:

ClinVar aggregate classification (germline): Uncertain significance. Review status: criteria provided, multiple submitters, no conflicts (2 of 4 stars). 3 submissions from 3 submitters: Uncertain significance (3). Last evaluated 2026-06-01.

Conditions:
Cardiovascular phenotype. Identifiers: MedGen CN230736.
Hereditary cancer-predisposing syndrome. Also called: Neoplastic Syndromes, Hereditary; Tumor predisposition; Hereditary Cancer Syndrome; Hereditary neoplastic syndrome. Identifiers: Orphanet 140162, MedGen C0027672, MeSH D009386, MONDO:0015356.

Allele frequency attached by ClinVar (database versions not stated): ExAC 0.00001.
gnomAD v4.1: 3 of 1,611,598 alleles (0.00019%); highest among the groups gnomAD compares: Non-Finnish European, 0.00025%; no homozygotes.

Submissions (3):

CeGaT Center for Human Genetics Tuebingen
Classification: Uncertain significance. Last evaluated: 2026-06-01. Review status: criteria provided, single submitter. Criteria: CeGaT Center For Human Genetics Tuebingen Variant Classification Criteria Version 2. Collection method: clinical testing. Allele origin: germline. Affected: yes. Observed: 2 variant alleles.
Comment: LZTR1: PM2

Labcorp Genetics (formerly Invitae), Labcorp
Classification: Uncertain significance. Last evaluated: 2024-03-20. Review status: criteria provided, single submitter. Criteria: Invitae Variant Classification Sherloc (09022015). Collection method: clinical testing. Allele origin: germline.
Comment: This sequence change replaces isoleucine, which is neutral and non-polar, with valine, which is neutral and non-polar, at codon 547 of the LZTR1 protein (p.Ile547Val). This variant is present in population databases (rs762489564, gnomAD 0.0009%). This variant has not been reported in the literature in individuals affected with LZTR1-related conditions. ClinVar contains an entry for this variant (Variation ID: 2453250). Advanced modeling of protein sequence and biophysical properties (such as structural, functional, and spatial information, amino acid conservation, physicochemical variation, residue mobility, and thermodynamic stability) performed at Invitae indicates that this missense variant is not expected to disrupt LZTR1 protein function with a negative predictive value of 80%. In summary, the available evidence is currently insufficient to determine the role of this variant in disease. Therefore, it has been classified as a Variant of Uncertain Significance.

Ambry Genetics
Classification: Uncertain significance for Cardiovascular phenotype; Hereditary cancer-predisposing syndrome. Last evaluated: 2023-02-23. Review status: criteria provided, single submitter. Criteria: Ambry Variant Classification Scheme 2023. Collection method: clinical testing. Allele origin: germline.
Comment: The p.I547V variant (also known as c.1639A>G), located in coding exon 15 of the LZTR1 gene, results from an A to G substitution at nucleotide position 1639. The isoleucine at codon 547 is replaced by valine, an amino acid with highly similar properties. This amino acid position is conserved. In addition, this alteration is predicted to be tolerated by in silico analysis. Since supporting evidence is limited at this time, the clinical significance of this alteration remains unclear.

NM_006767.4(LZTR1):c.1639A>G (p.Ile547Val)

Gene: LZTR1 (leucine zipper like post translational regulator 1; plus strand). Cytogenetic location: 22q11.21.
Variant type: single nucleotide variant.
Coding change: c.1639A>G on transcript NM_006767.4 (MANE Select); coding-DNA position 1639, A replaced by G.
Protein change: p.Ile547Val; replaces isoleucine 547 with valine.
Molecular consequence: missense variant.
Genome position (GRCh38, 1-based): chr22:20,994,581, A>G. VCF-style: chr22-20994581-A-G. GRCh37 (hg19) VCF-style: chr22-21348870-A-G.
Other names: short protein forms I547V.
Identifiers: ClinVar variation 2453250 (VCV002453250.8), dbSNP rs762489564, ClinGen allele CA10119012.
Genomic context (GRCh38, chr22:20,994,581, plus strand): 5'-CTCCGGCTCCCTGAGATTCGGGGGCTCTGGGGCGCAGGCCATGTGGAGGATGTGCTGCTC[A>G]TCATGGATGTGTACAAACTGGCACTGAGCTTCCAGTTGTGCCGCCTGGAGCAGCTGTGCC-3'
Protein context (NP_006758.2, residues 537-557): RKGHVEDVLL[Ile547Val]MDVYKLALSF